The following is an entry in ClinVar:

ClinVar aggregate classification (germline): Uncertain significance. Review status: criteria provided, multiple submitters, no conflicts (2 of 4 stars). 2 submissions from 2 submitters: Uncertain significance (2). Last evaluated 2025-07-03.

Conditions:
Familial thoracic aortic aneurysm and aortic dissection (TAAD). Also called: Thoracic aortic aneurysms and dissections. Identifiers: Orphanet 91387, MedGen C4707243, MONDO:0019625.

Allele frequency attached by ClinVar (database versions not stated): gnomAD exomes below 0.00001; gnomAD 0.00001; TOPMed 0.00002.
gnomAD v4.1: 4 of 1,613,832 alleles (0.00025%); highest among the groups gnomAD compares: African/African-American, 0.0053%; no homozygotes.

Submissions (2):

Ambry Genetics
Classification: Uncertain significance for Familial thoracic aortic aneurysm and aortic dissection. Last evaluated: 2025-07-03. Review status: criteria provided, single submitter. Criteria: Ambry Variant Classification Scheme 2023. Collection method: clinical testing. Allele origin: germline.
Comment: The p.G1095R variant (also known as c.3283G>A), located in coding exon 15 of the MYLK gene, results from a G to A substitution at nucleotide position 3283. The glycine at codon 1095 is replaced by arginine, an amino acid with dissimilar properties. This amino acid position is not well conserved in available vertebrate species. In addition, the in silico prediction for this alteration is inconclusive. Based on the available evidence, the clinical significance of this variant remains unclear.

GeneDx
Classification: Uncertain significance. Last evaluated: 2022-09-13. Review status: criteria provided, single submitter. Criteria: GeneDx Variant Classification Process June 2021. Collection method: clinical testing. Allele origin: germline. Affected: yes.
Comment: Not observed at significant frequency in large population cohorts (gnomAD); In silico analysis supports that this missense variant does not alter protein structure/function; Has not been previously published as pathogenic or benign to our knowledge

NM_053025.4(MYLK):c.3283G>A (p.Gly1095Arg)

Gene: MYLK (myosin light chain kinase; minus strand). Cytogenetic location: 3q21.1.
Variant type: single nucleotide variant.
Coding change: c.3283G>A on transcript NM_053025.4 (MANE Select); coding-DNA position 3283, G replaced by A.
Protein change: p.Gly1095Arg; replaces glycine 1095 with arginine.
Molecular consequence: missense variant.
Genome position (GRCh38, 1-based): chr3:123,700,185, C>T on the plus strand (G>A on the coding strand, the complement: MYLK is on the minus strand). VCF-style: chr3-123700185-C-T. GRCh37 (hg19) VCF-style: chr3-123419032-C-T.
Other names: c.2755G>A, p.Gly919Arg (NM_001321309.2); c.3076G>A, p.Gly1026Arg (NM_053026.4, NM_053028.4); c.3283G>A, p.Gly1095Arg (NM_053027.4); short protein forms G1026R, G1095R, G919R.
Identifiers: ClinVar variation 2443432 (VCV002443432.3), dbSNP rs1411027778, ClinGen allele CA354229527.